The following is an entry in ClinVar:

ClinVar aggregate classification (germline): Uncertain significance. Review status: criteria provided, multiple submitters, no conflicts (2 of 4 stars). 3 submissions from 3 submitters: Uncertain significance (3). Last evaluated 2021-09-01.

Conditions:
Inborn genetic diseases. Identifiers: MedGen C0950123, MeSH D030342.
Prader-Willi syndrome (PWS). Identifiers: Orphanet 739, MedGen C0032897, MONDO:0008300, OMIM 176270. Disease mechanism: loss of function, Microdeletion. Inheritance: Microdletion.
Developmental delay with autism spectrum disorder and gait instability (MRT38). Also called: Intellectual developmental disorder, autosomal recessive 38. Identifiers: Orphanet 329195, MedGen C3809753, MONDO:0014224, OMIM 615516.

Allele frequency attached by ClinVar (database versions not stated): ExAC 0.00002; gnomAD exomes 0.00002; gnomAD 0.00003.

Submissions (3):

Ambry Genetics
Classification: Uncertain significance for Inborn genetic diseases. Last evaluated: 2021-09-01. Review status: criteria provided, single submitter. Criteria: Ambry Variant Classification Scheme 2023. Collection method: clinical testing. Allele origin: germline.

Baylor Genetics
Classification: Uncertain significance for Developmental delay with autism spectrum disorder and gait instability. Last evaluated: 2020-06-03. Review status: criteria provided, single submitter. Criteria: ACMG Guidelines, 2015. Collection method: clinical testing. Allele origin: unknown. Affected: yes.
Comment: This variant was determined to be of uncertain significance according to ACMG Guidelines, 2015 [PMID:25741868].

Centre for Mendelian Genomics, University Medical Centre Ljubljana
Classification: Uncertain significance for Prader-Willi syndrome. Last evaluated: 2019-04-23. Review status: criteria provided, single submitter. Criteria: ACMG Guidelines, 2015. Collection method: clinical testing. Allele origin: unknown. Affected: yes.
Comment: This variant was classified as: Uncertain significance. The available evidence on this variant's pathogenicity is insufficient or conflicting. The following ACMG criteria were applied in classifying this variant: PM2,PP3.

NM_004667.6(HERC2):c.8012C>G (p.Ala2671Gly)

Gene: HERC2 (HECT and RLD domain containing E3 ubiquitin protein ligase 2; minus strand). Cytogenetic location: 15q13.1.
Variant type: single nucleotide variant.
Coding change: c.8012C>G on transcript NM_004667.6 (MANE Select); coding-DNA position 8012, C replaced by G.
Protein change: p.Ala2671Gly; replaces alanine 2671 with glycine.
Molecular consequence: missense variant.
Genome position (GRCh38, 1-based): chr15:28,196,569, G>C on the plus strand (C>G on the coding strand, the complement: HERC2 is on the minus strand). VCF-style: chr15-28196569-G-C. GRCh37 (hg19) VCF-style: chr15-28441715-G-C.
Other names: c.8012C>G (NM_004667.4); short protein forms A2671G.
Identifiers: ClinVar variation 930448 (VCV000930448.5), dbSNP rs759661460, ClinGen allele CA7441591.